The following is an entry in ClinVar:

NM_000452.3(SLC10A2):c.3G>C (p.Met1Ile)

Gene: SLC10A2 (solute carrier family 10 member 2; minus strand). Cytogenetic location: 13q33.1.
Variant type: single nucleotide variant.
Coding change: c.3G>C on transcript NM_000452.3 (MANE Select); coding-DNA position 3, G replaced by C.
Protein change: p.Met1Ile; changes the start codon (methionine 1).
Molecular consequence: missense variant, initiator codon variant.
Genome position (GRCh38, 1-based): chr13:103,066,247, C>G on the plus strand (G>C on the coding strand, the complement: SLC10A2 is on the minus strand). VCF-style: chr13-103066247-C-G. GRCh37 (hg19) VCF-style: chr13-103718597-C-G.
Other names: short protein forms M1I.
Identifiers: ClinVar variation 597312 (VCV000597312.9), dbSNP rs199671794, ClinGen allele CA7042376.

ClinVar aggregate classification (germline): Uncertain significance. Review status: criteria provided, multiple submitters, no conflicts (2 of 4 stars). 2 submissions from 2 submitters: Uncertain significance (2). Last evaluated 2025-02-20.

Allele frequency attached by ClinVar (database versions not stated): gnomAD 0.00006; TOPMed 0.00012; 1000 Genomes Project 30x 0.00031; 1000 Genomes Project 0.00020.

Submissions (2):

Labcorp Genetics (formerly Invitae), Labcorp
Classification: Uncertain significance. Last evaluated: 2025-02-20. Review status: criteria provided, single submitter. Criteria: Invitae Variant Classification Sherloc (09022015). Collection method: clinical testing. Allele origin: germline.
Comment: This sequence change affects the initiator methionine of the SLC10A2 mRNA. The next in-frame methionine is located at codon 46. This variant is present in population databases (rs199671794, gnomAD 0.02%). This variant has not been reported in the literature in individuals affected with SLC10A2-related conditions. ClinVar contains an entry for this variant (Variation ID: 597312). Experimental studies and prediction algorithms are not available or were not evaluated, and the functional significance of this variant is currently unknown. In summary, the available evidence is currently insufficient to determine the role of this variant in disease. Therefore, it has been classified as a Variant of Uncertain Significance.

Eurofins Ntd Llc (ga)
Classification: Uncertain significance. Last evaluated: 2018-05-24. Review status: criteria provided, single submitter. Criteria: EGL ClinVar v180209 classification definitions. Collection method: clinical testing. Allele origin: germline. Observed: 1 variant allele, 1 heterozygote.